The following is an entry in ClinVar:

ClinVar aggregate classification (germline): Uncertain significance (1 of 4 stars; one submission).

Conditions:
Baller-Gerold syndrome (BGS). Also called: CRANIOSYNOSTOSIS WITH RADIAL DEFECTS. Identifiers: Orphanet 1225, MedGen C0265308, MONDO:0009039, OMIM 218600.

Submission:

Labcorp Genetics (formerly Invitae), Labcorp
Classification: Uncertain significance for Baller-Gerold syndrome. Last evaluated: 2021-06-29. Review status: criteria provided, single submitter. Criteria: Invitae Variant Classification Sherloc (09022015). Collection method: clinical testing. Allele origin: germline.
Comment: This sequence change replaces methionine with leucine at codon 557 of the RECQL4 protein (p.Met557Leu). The methionine residue is highly conserved and there is a small physicochemical difference between methionine and leucine. This variant is not present in population databases (ExAC no frequency). This variant has not been reported in the literature in individuals affected with RECQL4-related conditions. Experimental studies and prediction algorithms are not available or were not evaluated, and the functional significance of this variant is currently unknown. In summary, the available evidence is currently insufficient to determine the role of this variant in disease. Therefore, it has been classified as a Variant of Uncertain Significance.

NM_004260.4(RECQL4):c.1669A>T (p.Met557Leu)

Gene: RECQL4 (RecQ like helicase 4; minus strand). Cytogenetic location: 8q24.3.
Variant type: single nucleotide variant.
Coding change: c.1669A>T on transcript NM_004260.4 (MANE Select); coding-DNA position 1669, A replaced by T.
Protein change: p.Met557Leu; replaces methionine 557 with leucine.
Molecular consequence: missense variant.
Genome position (GRCh38, 1-based): chr8:144,514,477, T>A on the plus strand (A>T on the coding strand, the complement: RECQL4 is on the minus strand). VCF-style: chr8-144514477-T-A. GRCh37 (hg19) VCF-style: chr8-145739861-T-A.
Other names: short protein forms M557L.
Identifiers: ClinVar variation 1496190 (VCV001496190.6), dbSNP rs1270237157, ClinGen allele CA372681696.